The following is an entry in ClinVar:

NM_144585.4(SLC22A12):c.151del (p.Ala51fs)

Gene: SLC22A12 (solute carrier family 22 member 12; plus strand). Cytogenetic location: 11q13.1.
Variant type: Deletion.
Coding change: c.151del on transcript NM_144585.4 (MANE Select); coding-DNA position 151, one base deleted (G; older notation c.151delG).
Protein change: p.Ala51fs; shifts the reading frame from alanine 51.
Molecular consequence: frameshift variant. On other transcripts: 5 prime UTR variant (1).
Genome position (GRCh38, 1-based): chr11:64,591,707, G deleted; the last of 3 consecutive G bases (chr11:64,591,705-64,591,707); deleting any one gives the same sequence. VCF-style (leftmost placement, unchanged base first): chr11-64591704-TG-T. GRCh37 (hg19) VCF-style: chr11-64359176-TG-T.
Other names: c.151del, p.Ala51fs (NM_001276326.2, NM_001276327.2); c.-358del (NM_153378.3); short protein forms A51fs.
Identifiers: ClinVar variation 5019640 (VCV005019640.2), dbSNP rs752156476.
Genomic context (GRCh38, chr11:64,591,704, plus strand): 5'-TGGCTGTGTACCCAGAGCATGCTGGAGAACTTCTCGGCCGCCGTGCCCAGCCACCGCTGC[TG>T]GGCACCCCTCCTGGACAACAGCACGGCTCAGGCCAGCATCCTAGGGAGCTTGAGTCCTGA-3'

ClinVar aggregate classification (germline): Likely pathogenic (1 of 4 stars; one submission).

Conditions:
Dalmatian hypouricemia (RHUC1). Identifiers: MedGen C0473219, MONDO:0020728, OMIM 220150.

Submission:

Juno Genomics, Hangzhou Juno Genomics, Inc
Classification: Likely pathogenic for Dalmatian hypouricemia. Review status: criteria provided, single submitter. Criteria: ACMG Guidelines, 2015. Collection method: clinical testing. Allele origin: germline.
Comment: Absent from controls (or at extremely low frequency if recessive) in Genome Aggregation Database.;Null variant in a gene where loss of function (LOF) is a known mechanism of disease.